The following is an entry in ClinVar:

ClinVar aggregate classification (germline): Uncertain significance (1 of 4 stars; one submission).

Conditions:
Epidermolysis bullosa simplex, Ogna type (EBS5A). Also called: Pidermolysis bullosa simplex 5A, Ogna type; EPIDERMOLYSIS BULLOSA SIMPLEX 5A, OGNA TYPE. Identifiers: Orphanet 79401, MedGen C0432317, MONDO:0007555, OMIM 131950.
Epidermolysis bullosa simplex 5C, with pyloric atresia (EBS5C). Also called: PLEC-Related Epidermolysis Bullosa with Pyloric Atresia; Epidermolysis bullosa simplex with pyloric atresia; PLEC1-Related Epidermolysis Bullosa with Pyloric Atresia. Identifiers: Orphanet 158684, MedGen C2677349, MONDO:0012807, OMIM 612138.
Autosomal recessive limb-girdle muscular dystrophy type 2Q (LGMDR17). Also called: MUSCULAR DYSTROPHY, LIMB-GIRDLE, AUTOSOMAL RECESSIVE 17. Identifiers: Orphanet 254361, MedGen C3150989, MONDO:0013390, OMIM 613723.
Epidermolysis bullosa simplex with nail dystrophy (EBS5D). Identifiers: MedGen C4225309, MONDO:0014661, OMIM 616487.
Epidermolysis bullosa simplex 5B, with muscular dystrophy (EBS5B). Also called: EPIDERMOLYSIS BULLOSA SIMPLEX AND LIMB-GIRDLE MUSCULAR DYSTROPHY; Epidermolysis bullosa simplex with muscular dystrophy. Identifiers: Orphanet 257, MedGen C2931072, MONDO:0009181, OMIM 226670.

Submission:

Labcorp Genetics (formerly Invitae), Labcorp
Classification: Uncertain significance for Autosomal recessive limb-girdle muscular dystrophy type 2Q; Epidermolysis bullosa simplex, Ogna type; Epidermolysis bullosa simplex with nail dystrophy; Epidermolysis bullosa simplex 5C, with pyloric atresia; Epidermolysis bullosa simplex 5B, with muscular dystrophy. Last evaluated: 2024-04-29. Review status: criteria provided, single submitter. Criteria: Invitae Variant Classification Sherloc (09022015). Collection method: clinical testing. Allele origin: germline.
Comment: This variant, c.7685_7687del, results in the deletion of 1 amino acid(s) of the PLEC protein (p.Gln2562del), but otherwise preserves the integrity of the reading frame. This variant is not present in population databases (gnomAD no frequency). This variant has not been reported in the literature in individuals affected with PLEC-related conditions. Experimental studies and prediction algorithms are not available or were not evaluated, and the functional significance of this variant is currently unknown. In summary, the available evidence is currently insufficient to determine the role of this variant in disease. Therefore, it has been classified as a Variant of Uncertain Significance.

NM_201384.3(PLEC):c.7598AGC[2] (p.Gln2535del)

Gene: PLEC (plectin; minus strand). Cytogenetic location: 8q24.3.
Variant type: Microsatellite.
Coding change: c.7598AGC[2] on transcript NM_201384.3 (MANE Select); two copies in a row of the 3-base unit AGC starting at c.7598; the reference has three copies in a row; one copy, 3 bases deleted.
Protein change: p.Gln2535del; deletes glutamine 2535.
Molecular consequence: inframe deletion. On other transcripts: inframe indel (1).
Genome position (GRCh38, 1-based): chr8:143,922,215-143,922,217, GCT deleted on the plus strand (AGC on the coding strand, the reverse complement: PLEC is on the minus strand); deleting any 3 consecutive bases within chr8:143,922,215-143,922,223 gives the same sequence; the position shown is the placement nearest the transcript's 3' end. VCF-style (leftmost placement, unchanged base first): chr8-143922214-CGCT-C. GRCh37 (hg19) VCF-style: chr8-144996382-CGCT-C.
Other names: c.7556AGC[2], p.Gln2521del (NM_201378.4); c.7532AGC[2], p.Gln2513del (NM_201379.3); c.8009AGC[2], p.Gln2672del (NM_201380.4); c.7502AGC[2], p.Gln2503del (NM_201381.3); c.7598AGC[2], p.Gln2535del (NM_201382.4); c.7610AGC[2], p.Gln2539del (NM_201383.3); c.7679AGC[2], p.Gln2562del (NM_000445.5); c.4298_4300AGC[2], p.Gln1435del (NM_001410941.1); short protein forms Q1435del, Q2535del, Q2539del, Q2521del, Q2503del, Q2513del, Q2562del, Q2672del.
Identifiers: ClinVar variation 2026377 (VCV002026377.4), dbSNP rs1823046934, ClinGen allele CA1826045671.